The following is an entry in ClinVar:

ClinVar aggregate classification (germline): Likely benign. Review status: criteria provided, multiple submitters, no conflicts (2 of 4 stars). 2 submissions from 2 submitters: Likely benign (2). Last evaluated 2025-03-19.

Conditions:
Juvenile polyposis/hereditary hemorrhagic telangiectasia syndrome (JPHT). Also called: JP/HHT SYNDROME; JUVENILE POLYPOSIS WITH HEREDITARY HEMORRHAGIC TELANGIECTASIA; POLYPOSIS, GENERALIZED JUVENILE, WITH PULMONARY ARTERIOVENOUS MALFORMATION; TELANGIECTASIA, HEREDITARY HEMORRHAGIC, WITH JUVENILE POLYPOSIS COLI; Juvenile Polyposis Syndrome / Hereditary Hemorrhagic Telangiectasia (JPS/HHT). Identifiers: Orphanet 2929, MedGen C1832942, MONDO:0008278, OMIM 175050.

Submissions (2):

Myriad Genetics, Inc.
Classification: Likely benign for Juvenile polyposis/hereditary hemorrhagic telangiectasia syndrome. Last evaluated: 2025-03-19. Review status: criteria provided, single submitter. Criteria: Myriad Autosomal Dominant, Autosomal Recessive and X-Linked Classification Criteria (2023). Collection method: clinical testing. Allele origin: unknown.
Comment: This variant is considered likely benign. This variant is intronic and is not expected to impact mRNA splicing.

All of Us Research Program, National Institutes of Health
Classification: Likely benign for Juvenile polyposis/hereditary hemorrhagic telangiectasia syndrome. Last evaluated: 2024-06-09. Review status: criteria provided, single submitter. Criteria: ACMG Guidelines, 2015. Collection method: clinical testing. Allele origin: germline. Inheritance: Autosomal dominant inheritance. Observed: 1 variant allele, 1 heterozygote.
Comment: This study involves interpretation of variants in research participants for the purpose of population health screening. Participant phenotype was not available at the time of variant classification. Additional details can be found in publication PMID: 35346344, PMCID: PMC8962531

NM_005359.6(SMAD4):c.425-11A>C

Gene: SMAD4 (SMAD family member 4; plus strand). Cytogenetic location: 18q21.2.
Variant type: single nucleotide variant.
Coding change: c.425-11A>C on transcript NM_005359.6 (MANE Select); 11 bases into the intron before coding-DNA position 425, A replaced by C.
Molecular consequence: intron variant.
Genome position (GRCh38, 1-based): chr18:51,049,284, A>C. VCF-style: chr18-51049284-A-C. GRCh37 (hg19) VCF-style: chr18-48575654-A-C.
Other names: c.425-11A>C (NM_001407042.1, NM_001407041.1, NM_001407043.1).
Identifiers: ClinVar variation 3386024 (VCV003386024.2).